The following continues an entry in ClinVar:

NM_000059.4(BRCA2):c.9586A>G (p.Lys3196Glu)

Gene: BRCA2. ClinVar aggregate classification (germline): Conflicting classifications of pathogenicity. Uncertain significance (3); Benign (5); Likely benign (8).

Submission 22 of 22:

Department of Pathology and Laboratory Medicine, Sinai Health System
Classification: Benign for Malignant tumor of breast. Review status: no assertion criteria provided. Collection method: clinical testing. Allele origin: unknown. Affected: yes. Study: The Canadian Open Genetics Repository (COGR). Not counted in ClinVar's aggregate classification.
Comment: The BRCA2 p.Lys3196Glu variant was identified in 1 of 74 proband chromosomes (frequency: 0.014) from individuals or families with male breast cancer, and was not identified in 200 control chromosomes from healthy individuals (Kwiatkowska 2000); however, an insufficient number of controls were included in these studies to determine the frequency of this variant in the general population. The variant was also identified in dbSNP (ID: rs80359228) â€šÃ„ÃºWith uncertain significanceâ€šÃ„Ã¹, with a minor allele frequency of 0.000/1 (1000 Genomes Project), NHLBI Exome Sequencing Project (Exome Variant Server), HGMD, ClinVar database, the BIC database (8 X with unknown clinical importance), and UMD (7 X as an unknown variant). The variant was classified as a benign variant by the Sharing Clinical Reports Project (SCRP) (submitted within the ClinVar database and derived from Myriad reports). The variant was identified by the Exome Variant Server project in 1 of 8600 European American alleles (frequency: 0.0001), although this low number of observations and low frequency is not substantive enough to determine the prevalence of the variant in the general population and its relationship to disease. The p.Lys3196 residue is not conserved in mammals and computational analyses (PolyPhen-2, SIFT, AlignGVGD, BLOSUM, MutationTaster) provide inconsistent predictions regarding the impact to the protein; this information is not very predictive of pathogenicity. One study (Santos 2014), found the variant co-occurring with a pathogenic BRCA2 variant c.8488-1G>A, increasing the likelihood that the p.Lys3196Glu variant does not have clinical significance. In summary, based on the above information, this variant meets our laboratory's criteria to be classified as benign.

Literature cited by the submitters: PubMed 31131559 (cited by Quest Diagnostics Nichols Institute San Juan Capistrano); PubMed 25637381 (cited by Quest Diagnostics Nichols Institute San Juan Capistrano and Sema4); PubMed 27153395 (cited by Quest Diagnostics Nichols Institute San Juan Capistrano); PubMed 26332594 (cited by Quest Diagnostics Nichols Institute San Juan Capistrano and Sema4); PubMed 25985138 (cited by Quest Diagnostics Nichols Institute San Juan Capistrano); PubMed 25556971 (cited by 3 submitters); PubMed 35402282 (cited by Quest Diagnostics Nichols Institute San Juan Capistrano); PubMed 24607278 (cited by Quest Diagnostics Nichols Institute San Juan Capistrano and Women's Health and Genetics/Laboratory Corporation of America, LabCorp); PubMed 11139248 (cited by 3 submitters); PubMed 21120943 (cited by Quest Diagnostics Nichols Institute San Juan Capistrano and Women's Health and Genetics/Laboratory Corporation of America, LabCorp); PubMed 14555518 (cited by Quest Diagnostics Nichols Institute San Juan Capistrano and Women's Health and Genetics/Laboratory Corporation of America, LabCorp); PubMed 25348012 (cited by Quest Diagnostics Nichols Institute San Juan Capistrano); PubMed 31911673 (cited by Quest Diagnostics Nichols Institute San Juan Capistrano); PubMed 38153744 (cited by Quest Diagnostics Nichols Institute San Juan Capistrano); PubMed 30630528 (cited by Quest Diagnostics Nichols Institute San Juan Capistrano); PubMed 37415649 (cited by Quest Diagnostics Nichols Institute San Juan Capistrano); PubMed 33471991 (cited by Quest Diagnostics Nichols Institute San Juan Capistrano); PubMed 27067391 (cited by Quest Diagnostics Nichols Institute San Juan Capistrano and Women's Health and Genetics/Laboratory Corporation of America, LabCorp); PubMed 23704879 (cited by Quest Diagnostics Nichols Institute San Juan Capistrano and Women's Health and Genetics/Laboratory Corporation of America, LabCorp); PubMed 27062684 (cited by Quest Diagnostics Nichols Institute San Juan Capistrano); PubMed 30254663 (cited by Quest Diagnostics Nichols Institute San Juan Capistrano).